The following is an entry in ClinVar:

ClinVar aggregate classification (germline): Uncertain significance. Review status: criteria provided, multiple submitters, no conflicts (2 of 4 stars). 3 submissions from 3 submitters: Uncertain significance (3). Last evaluated 2025-12-03.

Conditions:
POLD1-related polyposis and colorectal cancer syndrome (CRCS10). Also called: Colorectal cancer 10; COLORECTAL CANCER, SUSCEPTIBILITY TO, ON CHROMOSOME 19q; Colorectal cancer, susceptibility to, 10. Identifiers: Orphanet 220460, MedGen C2675481, MONDO:0012953, OMIM 612591.
Hereditary cancer-predisposing syndrome. Also called: Neoplastic Syndromes, Hereditary; Hereditary neoplastic syndrome; Tumor predisposition; Hereditary Cancer Syndrome. Identifiers: Orphanet 140162, MedGen C0027672, MeSH D009386, MONDO:0015356.

Allele frequency attached by ClinVar (database versions not stated): ExAC below 0.00001.

Submissions (3):

Ambry Genetics
Classification: Uncertain significance for Hereditary cancer-predisposing syndrome. Last evaluated: 2025-12-03. Review status: criteria provided, single submitter. Criteria: Ambry Variant Classification Scheme 2023. Collection method: clinical testing. Allele origin: germline.
Comment: The p.A28V variant (also known as c.83C>T), located in coding exon 1 of the POLD1 gene, results from a C to T substitution at nucleotide position 83. The alanine at codon 28 is replaced by valine, an amino acid with similar properties. This amino acid position is conserved. In addition, this alteration is predicted to be tolerated by in silico analysis. Since supporting evidence is limited at this time, the clinical significance of this alteration remains unclear.

Labcorp Genetics (formerly Invitae), Labcorp
Classification: Uncertain significance for POLD1-related polyposis and colorectal cancer syndrome. Last evaluated: 2025-06-19. Review status: criteria provided, single submitter. Criteria: Invitae Variant Classification Sherloc (09022015). Collection method: clinical testing. Allele origin: germline.
Comment: This sequence change replaces alanine, which is neutral and non-polar, with valine, which is neutral and non-polar, at codon 28 of the POLD1 protein (p.Ala28Val). This variant is not present in population databases (gnomAD no frequency). This variant has not been reported in the literature in individuals affected with POLD1-related conditions. ClinVar contains an entry for this variant (Variation ID: 469390). An algorithm developed to predict the effect of missense changes on protein structure and function outputs the following: PolyPhen-2: "Benign". The valine amino acid residue is found in multiple mammalian species, which suggests that this missense change does not adversely affect protein function. RNA analysis performed to evaluate the impact of this missense change on mRNA splicing indicates it does not significantly alter splicing (internal data). In summary, the available evidence is currently insufficient to determine the role of this variant in disease. Therefore, it has been classified as a Variant of Uncertain Significance.

GeneDx
Classification: Uncertain significance. Last evaluated: 2019-07-12. Review status: criteria provided, single submitter. Criteria: GeneDx Variant Classification Process June 2021. Collection method: clinical testing. Allele origin: germline. Affected: yes.
Comment: Not observed in large population cohorts (Lek et al., 2016); In silico analysis, which includes protein predictors and evolutionary conservation, supports that this variant does not alter protein structure/function; Has not been previously published as pathogenic or benign to our knowledge

NM_002691.4(POLD1):c.83C>T (p.Ala28Val)

Gene: POLD1 (DNA polymerase delta 1, catalytic subunit; plus strand). Cytogenetic location: 19q13.33.
Variant type: single nucleotide variant.
Coding change: c.83C>T on transcript NM_002691.4 (MANE Select); coding-DNA position 83, C replaced by T.
Protein change: p.Ala28Val; replaces alanine 28 with valine.
Molecular consequence: missense variant. On other transcripts: non-coding transcript variant (1).
Genome position (GRCh38, 1-based): chr19:50,398,934, C>T. VCF-style: chr19-50398934-C-T. GRCh37 (hg19) VCF-style: chr19-50902191-C-T.
Other names: c.83C>T, p.Ala28Val (NM_001256849.1, NM_001308632.1); short protein forms A28V.
Identifiers: ClinVar variation 469390 (VCV000469390.12), dbSNP rs765097158, ClinGen allele CA9595612.